The following is an entry in ClinVar:

ClinVar aggregate classification (germline): Likely pathogenic (1 of 4 stars; one submission).

gnomAD v4.1: 17 of 1,613,754 alleles (0.0011%); highest among the groups gnomAD compares: Non-Finnish European, 0.0014%; no homozygotes.

Submission:

Mayo Clinic Laboratories, Mayo Clinic
Classification: Likely pathogenic. Last evaluated: 2024-07-26. Review status: criteria provided, single submitter. Criteria: ACMG Guidelines, 2015. Collection method: clinical testing. Allele origin: germline. Observed: 1 variant allele.
Comment: PM2, PVS1

NM_014687.4(RUBCN):c.1358-2A>G

Gene: RUBCN (rubicon autophagy regulator; minus strand). Cytogenetic location: 3q29.
Variant type: single nucleotide variant.
Coding change: c.1358-2A>G on transcript NM_014687.4 (MANE Select); the canonical splice acceptor site of the intron before coding-DNA position 1358, A replaced by G.
Molecular consequence: splice acceptor variant. On other transcripts: intron variant (1).
Genome position (GRCh38, 1-based): chr3:197,695,983, T>C on the plus strand (A>G on the coding strand, the complement: RUBCN is on the minus strand). VCF-style: chr3-197695983-T-C. GRCh37 (hg19) VCF-style: chr3-197422854-T-C.
Other names: c.1223-2A>G (NM_001145642.5); c.1403-5A>G (NM_001346873.2).
Identifiers: ClinVar variation 3380983 (VCV003380983.1).